The following is an entry in ClinVar:

NM_001370466.1(NOD2):c.1954dup (p.Ala652fs)

Gene: NOD2 (nucleotide binding oligomerization domain containing 2; plus strand). Cytogenetic location: 16q12.1.
Variant type: Duplication.
Coding change: c.1954dup on transcript NM_001370466.1 (MANE Select); coding-DNA position 1954, one base duplicated (G; older notation c.1954dupG).
Protein change: p.Ala652fs; shifts the reading frame from alanine 652.
Molecular consequence: frameshift variant. On other transcripts: non-coding transcript variant (1).
Genome position (GRCh38, 1-based): chr16:50,711,946, G duplicated; the last of 2 consecutive G bases (chr16:50,711,945-50,711,946); duplicating either gives the same sequence. VCF-style (leftmost placement, unchanged base first): chr16-50711944-T-TG. GRCh37 (hg19) VCF-style: chr16-50745855-T-TG.
Other names: c.1954dup, p.Ala652fs (NM_001293557.2); c.2035dup, p.Ala679fs (NM_022162.3); short protein forms A679fs, A652fs.
Identifiers: ClinVar variation 4791112 (VCV004791112.1).

ClinVar aggregate classification (germline): Uncertain significance (1 of 4 stars; one submission).

Conditions:
Regional enteritis. Also called: Enteritis, Granulomatous. Identifiers: MedGen C0678202, MeSH D003424.
Blau syndrome (BLAUS). Also called: ARTHROCUTANEOUVEAL GRANULOMATOSIS; GRANULOMATOSIS, FAMILIAL JUVENILE SYSTEMIC; GRANULOMATOSIS, FAMILIAL, BLAU TYPE; GRANULOMATOUS INFLAMMATORY ARTHRITIS, DERMATITIS, AND UVEITIS, FAMILIAL; JABS SYNDROME. Identifiers: Orphanet 90340, MedGen C5201146, MONDO:0008523, OMIM 186580.

Submission:

Labcorp Genetics (formerly Invitae), Labcorp
Classification: Uncertain significance for Regional enteritis; Blau syndrome. Last evaluated: 2025-12-03. Review status: criteria provided, single submitter. Criteria: Invitae Variant Classification Sherloc (09022015). Collection method: clinical testing. Allele origin: germline.
Comment: This sequence change creates a premature translational stop signal (p.Ala679Glyfs*14) in the NOD2 gene. It is expected to result in an absent or disrupted protein product. However, the current clinical and genetic evidence is not sufficient to establish whether loss-of-function variants in NOD2 cause disease. This variant is not present in population databases (gnomAD no frequency). This variant has not been reported in the literature in individuals affected with NOD2-related conditions. In summary, the available evidence is currently insufficient to determine the role of this variant in disease. Therefore, it has been classified as a Variant of Uncertain Significance.